The following is an entry in ClinVar:

ClinVar aggregate classification (germline): Likely benign. Review status: criteria provided, multiple submitters, no conflicts (2 of 4 stars). 2 submissions from 2 submitters: Likely benign (2). Last evaluated 2026-01-15.

gnomAD v4.1: 410 of 1,613,984 alleles (0.025%); highest among the groups gnomAD compares: South Asian, 0.18%; 4 homozygotes.

Submissions (2):

Labcorp Genetics (formerly Invitae), Labcorp
Classification: Likely benign. Last evaluated: 2026-01-15. Review status: criteria provided, single submitter. Criteria: Invitae Variant Classification Sherloc (09022015). Collection method: clinical testing. Allele origin: germline.

CeGaT Center for Human Genetics Tuebingen
Classification: Likely benign. Last evaluated: 2026-01-01. Review status: criteria provided, single submitter. Criteria: CeGaT Center For Human Genetics Tuebingen Variant Classification Criteria Version 2. Collection method: clinical testing. Allele origin: germline. Affected: yes. Observed: 1 variant allele.
Comment: FBXW7: BP4, BS1

NM_001349798.2(FBXW7):c.242A>G (p.Asn81Ser)

Gene: FBXW7 (F-box and WD repeat domain containing 7; minus strand). Cytogenetic location: 4q31.3.
Variant type: single nucleotide variant.
Coding change: c.242A>G on transcript NM_001349798.2 (MANE Select); coding-DNA position 242, A replaced by G.
Protein change: p.Asn81Ser; replaces asparagine 81 with serine.
Molecular consequence: missense variant.
Genome position (GRCh38, 1-based): chr4:152,411,562, T>C on the plus strand (A>G on the coding strand, the complement: FBXW7 is on the minus strand). VCF-style: chr4-152411562-T-C. GRCh37 (hg19) VCF-style: chr4-153332714-T-C.
Other names: c.242A>G, p.Asn81Ser (NM_033632.3, NM_001257069.1); short protein forms N81S.
Identifiers: ClinVar variation 3631927 (VCV003631927.6).